The following is an entry in ClinVar:

NM_002295.6(RPSA):c.252+17T>C

Gene: RPSA (ribosomal protein SA; plus strand). Cytogenetic location: 3p22.1.
Variant type: single nucleotide variant.
Coding change: c.252+17T>C on transcript NM_002295.6 (MANE Select); 17 bases into the intron after coding-DNA position 252, T replaced by C.
Molecular consequence: intron variant. On other transcripts: splice donor variant (1).
Genome position (GRCh38, 1-based): chr3:39,408,741, T>C. VCF-style: chr3-39408741-T-C. GRCh37 (hg19) VCF-style: chr3-39450232-T-C.
Other names: c.267+2T>C (NM_001304288.2).
Identifiers: ClinVar variation 1164164 (VCV001164164.16), dbSNP rs201530807, ClinGen allele CA2327730.

ClinVar aggregate classification (germline): Benign/Likely benign. Review status: criteria provided, multiple submitters, no conflicts (2 of 4 stars). 3 submissions from 3 submitters: Benign (1); Likely benign (2). Last evaluated 2026-01-04.

Allele frequency attached by ClinVar (database versions not stated): ESP Exome Variant Server 0.00023; 1000 Genomes Project 30x 0.00031; TOPMed 0.00035; ExAC 0.00039; gnomAD exomes 0.00039 and 0.00069; 1000 Genomes Project 0.00040; gnomAD 0.00048 and 0.00050.

Submissions (3):

Labcorp Genetics (formerly Invitae), Labcorp
Classification: Benign. Last evaluated: 2026-01-04. Review status: criteria provided, single submitter. Criteria: Invitae Variant Classification Sherloc (09022015). Collection method: clinical testing. Allele origin: germline.

CeGaT Center for Human Genetics Tuebingen
Classification: Likely benign. Last evaluated: 2025-07-01. Review status: criteria provided, single submitter. Criteria: CeGaT Center For Human Genetics Tuebingen Variant Classification Criteria Version 2. Collection method: clinical testing. Allele origin: germline. Affected: yes. Observed: 1 variant allele.
Comment: RPSA: BS2

Blueprint Genetics
Classification: Likely benign. Last evaluated: 2024-10-16. Review status: criteria provided, single submitter. Criteria: ACMG Guidelines, 2015. Collection method: clinical testing. Allele origin: germline.